The following is an entry in ClinVar:

NM_000038.6(APC):c.5940C>A (p.Asn1980Lys)

Gene: APC (APC regulator of Wnt signaling pathway; plus strand). Cytogenetic location: 5q22.2.
Variant type: single nucleotide variant.
Coding change: c.5940C>A on transcript NM_000038.6 (MANE Select); coding-DNA position 5940, C replaced by A.
Protein change: p.Asn1980Lys; replaces asparagine 1980 with lysine.
Molecular consequence: missense variant. On other transcripts: non-coding transcript variant (2).
Genome position (GRCh38, 1-based): chr5:112,841,534, C>A. VCF-style: chr5-112841534-C-A. GRCh37 (hg19) VCF-style: chr5-112177231-C-A.
Other names: c.5940C>A, p.Asn1980Lys (NM_001127510.3, NM_001354895.2, NM_001407450.1); c.5886C>A, p.Asn1962Lys (NM_001127511.3); c.5994C>A, p.Asn1998Lys (NM_001354896.2, NM_001407447.1, NM_001407448.1 and 1 more transcripts); c.5970C>A, p.Asn1990Lys (NM_001354897.2); c.5865C>A, p.Asn1955Lys (NM_001354898.2); c.5856C>A, p.Asn1952Lys (NM_001354899.2); c.5817C>A, p.Asn1939Lys (NM_001354900.2); c.5763C>A, p.Asn1921Lys (NM_001354901.2, NM_001407453.1); and 11 more; short protein forms N1851K, N1980K, N1820K, N1854K, N1879K, N1889K, N1921K, N1939K.
Identifiers: ClinVar variation 4585756 (VCV004585756.2).
Genomic context (GRCh38, chr5:112,841,534, plus strand): 5'-GGTTTGCTTTTCTCATAATTCCTCTCTGAGTTCTCTCAGTGACATTGACCAAGAAAACAA[C>A]AATAAAGAAAATGAACCTATCAAAGAGACTGAGCCCCCTGACTCACAGGGAGAACCAAGT-3'
Protein context (NP_000029.2, residues 1970-1990): SSLSDIDQEN[Asn1980Lys]NKENEPIKET

ClinVar aggregate classification (germline): Uncertain significance. Review status: criteria provided, multiple submitters, no conflicts (2 of 4 stars). 2 submissions from 2 submitters: Uncertain significance (2). Last evaluated 2025-10-24.

Conditions:
Familial adenomatous polyposis 1 (FAP1). Also called: POLYPOSIS, ADENOMATOUS INTESTINAL; FAMILIAL ADENOMATOUS POLYPOSIS 1, ATTENUATED. Identifiers: MedGen C2713442, MONDO:0021056, OMIM 175100. Disease mechanism: loss of function.
Hereditary cancer-predisposing syndrome. Also called: Neoplastic Syndromes, Hereditary; Tumor predisposition; Hereditary Cancer Syndrome; Hereditary neoplastic syndrome. Identifiers: Orphanet 140162, MedGen C0027672, MeSH D009386, MONDO:0015356.

gnomAD v4.1: 1 of 1,613,802 alleles (0.000062%); highest among the groups gnomAD compares: African/African-American, 0.0013%; no homozygotes.

Submissions (2):

Ambry Genetics
Classification: Uncertain significance for Hereditary cancer-predisposing syndrome. Last evaluated: 2025-10-24. Review status: criteria provided, single submitter. Criteria: Ambry Variant Classification Scheme 2023. Collection method: clinical testing. Allele origin: germline.
Comment: The p.N1980K variant (also known as c.5940C>A), located in coding exon 15 of the APC gene, results from a C to A substitution at nucleotide position 5940. The asparagine at codon 1980 is replaced by lysine, an amino acid with similar properties. This amino acid position is highly conserved in available vertebrate species. In addition, in silico predictors for this gene do not accurately predict pathogenicity. Based on the available evidence, the clinical significance of this variant remains unclear.

Labcorp Genetics (formerly Invitae), Labcorp
Classification: Uncertain significance for Familial adenomatous polyposis 1. Last evaluated: 2025-08-29. Review status: criteria provided, single submitter. Criteria: Invitae Variant Classification Sherloc (09022015). Collection method: clinical testing. Allele origin: germline.
Comment: This sequence change replaces asparagine, which is neutral and polar, with lysine, which is basic and polar, at codon 1980 of the APC protein (p.Asn1980Lys). This variant is present in population databases (rs147598747, gnomAD 0.01%). This variant has not been reported in the literature in individuals affected with APC-related conditions. Invitae Evidence Modeling of protein sequence and biophysical properties (such as structural, functional, and spatial information, amino acid conservation, physicochemical variation, residue mobility, and thermodynamic stability) indicates that this missense variant is not expected to disrupt APC protein function with a negative predictive value of 95%. In summary, the available evidence is currently insufficient to determine the role of this variant in disease. Therefore, it has been classified as a Variant of Uncertain Significance.